The following is an entry in ClinVar:

ClinVar aggregate classification (germline): Uncertain significance (1 of 4 stars; one submission).

Conditions:
TBX3-related disorder. Also called: TBX3-related condition.

gnomAD v4.1: 16 of 1,599,382 alleles (0.001%); highest among the groups gnomAD compares: African/African-American, 0.0013%; no homozygotes.

Submission:

PreventionGenetics, part of Exact Sciences
Classification: Uncertain significance for TBX3-related condition. Last evaluated: 2025-10-14. Review status: criteria provided, single submitter. Criteria: ACMG Guidelines, 2015. Collection method: clinical testing. Allele origin: germline.
Comment: The TBX3 c.2117T>C variant is predicted to result in the amino acid substitution p.Leu706Ser. To our knowledge, this variant has not been reported in the literature. This variant is reported in 0.0074% of alleles in individuals of African descent in gnomAD. At this time, the clinical significance of this variant is uncertain due to the absence of conclusive functional and genetic evidence.

NM_005996.4(TBX3):c.2057T>C (p.Leu686Ser)

Gene: TBX3 (T-box transcription factor 3; minus strand). Cytogenetic location: 12q24.21.
Variant type: single nucleotide variant.
Coding change: c.2057T>C on transcript NM_005996.4 (MANE Select); coding-DNA position 2057, T replaced by C.
Protein change: p.Leu686Ser; replaces leucine 686 with serine.
Molecular consequence: missense variant.
Genome position (GRCh38, 1-based): chr12:114,671,956, A>G on the plus strand (T>C on the coding strand, the complement: TBX3 is on the minus strand). VCF-style: chr12-114671956-A-G. GRCh37 (hg19) VCF-style: chr12-115109761-A-G.
Other names: c.2117T>C, p.Leu706Ser (NM_016569.4); short protein forms L686S, L706S.
Identifiers: ClinVar variation 4979945 (VCV004979945.1).